The following is an entry in ClinVar:

ClinVar aggregate classification (germline): Pathogenic/Likely pathogenic. Review status: criteria provided, multiple submitters, no conflicts (2 of 4 stars). 3 submissions from 3 submitters: Pathogenic (2); Likely pathogenic (1). Last evaluated 2024-06-19.

Conditions:
Wilson disease (WND). Also called: Wilson's disease. Identifiers: Orphanet 905, MedGen C0019202, MONDO:0010200, OMIM 277900. Disease mechanism: loss of function.

Allele frequency attached by ClinVar (database versions not stated): TOPMed below 0.00001.

Submissions (3):

Labcorp Genetics (formerly Invitae), Labcorp
Classification: Pathogenic for Wilson disease. Last evaluated: 2024-06-19. Review status: criteria provided, single submitter. Criteria: Invitae Variant Classification Sherloc (09022015). Collection method: clinical testing. Allele origin: germline.
Comment: This sequence change affects a splice site in intron 18 of the ATP7B gene. It is expected to disrupt RNA splicing. Variants that disrupt the donor or acceptor splice site typically lead to a loss of protein function (PMID: 16199547), and loss-of-function variants in ATP7B are known to be pathogenic (PMID: 10441329, 16283883). This variant is not present in population databases (gnomAD no frequency). Disruption of this splice site has been observed in individuals with Wilson disease (PMID: 18483695). ClinVar contains an entry for this variant (Variation ID: 1069301). Algorithms developed to predict the effect of sequence changes on RNA splicing suggest that this variant may disrupt the consensus splice site. For these reasons, this variant has been classified as Pathogenic.

Baylor Genetics
Classification: Likely pathogenic for Wilson disease. Last evaluated: 2023-02-25. Review status: criteria provided, single submitter. Criteria: ACMG Guidelines, 2015. Collection method: clinical testing. Allele origin: unknown.

Genome-Nilou Lab
Classification: Pathogenic for Wilson disease. Last evaluated: 2021-08-10. Review status: criteria provided, single submitter. Criteria: ACMG Guidelines, 2015. Collection method: clinical testing. Allele origin: germline. Affected: no.

Literature cited by the submitters: PubMed 16199547 (cited by Labcorp Genetics (formerly Invitae), Labcorp); PubMed 10441329 (cited by Labcorp Genetics (formerly Invitae), Labcorp); PubMed 16283883 (cited by Labcorp Genetics (formerly Invitae), Labcorp); PubMed 18483695 (cited by Labcorp Genetics (formerly Invitae), Labcorp).

NM_000053.4(ATP7B):c.3904-2del

Gene: ATP7B (ATPase copper transporting beta; minus strand). Cytogenetic location: 13q14.3.
Variant type: Deletion.
Coding change: c.3904-2del on transcript NM_000053.4 (MANE Select); the canonical splice acceptor site of the intron before coding-DNA position 3904, one base deleted (A; older notation c.3904-2delA).
Molecular consequence: splice acceptor variant.
Genome position (GRCh38, 1-based): chr13:51,937,395, T deleted on the plus strand (A on the coding strand, the reverse complement: ATP7B is on the minus strand). VCF-style (leftmost placement, unchanged base first): chr13-51937394-CT-C. GRCh37 (hg19) VCF-style: chr13-52511530-CT-C.
Other names: c.3418-2del (NM_001406541.1, NM_001406542.1); c.3652-2del (NM_001406531.1, NM_001406532.1, NM_001330579.2); c.3670-2del (NM_001406527.1, NM_001406528.1, NM_001330578.2); c.3565-2del (NM_001406537.1); c.3760-2del (NM_001406521.1, NM_001406522.1, NM_001406520.1); c.3898-2del (NM_001406513.1); c.3904-2del (NM_001406511.1, NM_001406512.1); c.3412-2del (NM_001406543.1); and 21 more.
Identifiers: ClinVar variation 1069301 (VCV001069301.12), dbSNP rs1957032734, ClinGen allele CA2091553563.